The following is an entry in ClinVar:

NM_001164749.2(NPAS3):c.1500G>C (p.Arg500=)

Gene: NPAS3 (neuronal PAS domain protein 3; plus strand). Cytogenetic location: 14q13.1.
Variant type: single nucleotide variant.
Coding change: c.1500G>C on transcript NM_001164749.2 (MANE Select); coding-DNA position 1500, G replaced by C.
Protein change: p.Arg500=; no amino-acid change (arginine 500 retained).
Molecular consequence: synonymous variant.
Genome position (GRCh38, 1-based): chr14:33,799,807, G>C. VCF-style: chr14-33799807-G-C. GRCh37 (hg19) VCF-style: chr14-34269013-G-C.
Other names: c.1410G>C, p.Arg470= (NM_001165893.2); c.1455G>C, p.Arg485= (NM_001394988.1); c.1401G>C, p.Arg467= (NM_001394989.1); c.1404G>C, p.Arg468= (NM_022123.3); c.1461G>C, p.Arg487= (NM_173159.3).
Identifiers: ClinVar variation 2644159 (VCV002644159.24), dbSNP rs146419048, ClinGen allele CA7150808.

ClinVar aggregate classification (germline): Likely benign (1 of 4 stars; one submission).

Allele frequency attached by ClinVar (database versions not stated): 1000 Genomes Project 30x 0.00078; 1000 Genomes Project 0.00080; ESP Exome Variant Server 0.00146; gnomAD 0.00160; ExAC 0.00207; gnomAD exomes 0.00244.
gnomAD v4.1: 3,819 of 1,613,604 alleles (0.24%); highest among the groups gnomAD compares: Non-Finnish European, 0.27%; 6 homozygotes.

Submission:

CeGaT Center for Human Genetics Tuebingen
Classification: Likely benign. Last evaluated: 2022-11-01. Review status: criteria provided, single submitter. Criteria: CeGaT Center For Human Genetics Tuebingen Variant Classification Criteria Version 2. Collection method: clinical testing. Allele origin: germline. Affected: yes. Observed: 1 variant allele.
Comment: NPAS3: BP4, BP7